The following is an entry in ClinVar:

NM_023036.6(DNAI2):c.1348-4A>G

Gene: DNAI2 (dynein axonemal intermediate chain 2; plus strand). Cytogenetic location: 17q25.1.
Variant type: single nucleotide variant.
Coding change: c.1348-4A>G on transcript NM_023036.6 (MANE Select); 4 bases into the intron before coding-DNA position 1348, A replaced by G.
Molecular consequence: intron variant.
Genome position (GRCh38, 1-based): chr17:74,310,013, A>G. VCF-style: chr17-74310013-A-G. GRCh37 (hg19) VCF-style: chr17-72306152-A-G.
Other names: c.1348-4A>G (NM_001353167.2); c.1348-40A>G (NM_001172810.3).
Identifiers: ClinVar variation 2146797 (VCV002146797.1), dbSNP rs2509766352, ClinGen allele CA2580095131.
Genomic context (GRCh38, chr17:74,310,013, plus strand): 5'-TAATCAGACACACATAACTTTGCTCCTCTCTCCTCTACCTGGGTCTGCCCGGCCCCTTCA[A>G]TAGGTGTGTGACGAGGCCCTCTTCTGCCTCCGGGTGCAGGACAATGGGTGTCTCATCGCC-3'

ClinVar aggregate classification (germline): Uncertain significance (1 of 4 stars; one submission).

Conditions:
Primary ciliary dyskinesia. Also called: Ciliary dyskinesia. Identifiers: Orphanet 244, MedGen C0008780, MONDO:0016575, HP:0012265.

Submission:

Labcorp Genetics (formerly Invitae), Labcorp
Classification: Uncertain significance for Primary ciliary dyskinesia. Last evaluated: 2022-07-07. Review status: criteria provided, single submitter. Criteria: Invitae Variant Classification Sherloc (09022015). Collection method: clinical testing. Allele origin: germline.
Comment: This sequence change falls in intron 10 of the DNAI2 gene. It does not directly change the encoded amino acid sequence of the DNAI2 protein. This variant is not present in population databases (gnomAD no frequency). This variant has not been reported in the literature in individuals affected with DNAI2-related conditions. Algorithms developed to predict the effect of sequence changes on RNA splicing suggest that this variant may disrupt the consensus splice site. In summary, the available evidence is currently insufficient to determine the role of this variant in disease. Therefore, it has been classified as a Variant of Uncertain Significance.